The following is an entry in ClinVar:

NM_025009.5(CEP135):c.3230G>A (p.Arg1077Gln)

Gene: CEP135 (centrosomal protein 135; plus strand). Cytogenetic location: 4q12.
Variant type: single nucleotide variant.
Coding change: c.3230G>A on transcript NM_025009.5 (MANE Select); coding-DNA position 3230, G replaced by A.
Protein change: p.Arg1077Gln; replaces arginine 1077 with glutamine.
Molecular consequence: missense variant.
Genome position (GRCh38, 1-based): chr4:56,020,690, G>A. VCF-style: chr4-56020690-G-A. GRCh37 (hg19) VCF-style: chr4-56886856-G-A.
Other names: short protein forms R1077Q.
Identifiers: ClinVar variation 285866 (VCV000285866.7), dbSNP rs41280347, ClinGen allele CA2928372.

ClinVar aggregate classification (germline): Uncertain significance. Review status: criteria provided, multiple submitters, no conflicts (2 of 4 stars). 2 submissions from 2 submitters: Uncertain significance (2). Last evaluated 2022-10-17.

Allele frequency attached by ClinVar (database versions not stated): gnomAD 0.00006 and 0.00007; ExAC 0.00007; ESP Exome Variant Server 0.00008; TOPMed 0.00008; gnomAD exomes 0.00009; 1000 Genomes Project 0.00020; 1000 Genomes Project 30x 0.00031.
gnomAD v4.1: 151 of 1,613,286 alleles (0.0094%); highest among the groups gnomAD compares: Admixed American, 0.032%; no homozygotes.

Submissions (2):

Labcorp Genetics (formerly Invitae), Labcorp
Classification: Uncertain significance. Last evaluated: 2022-10-17. Review status: criteria provided, single submitter. Criteria: Invitae Variant Classification Sherloc (09022015). Collection method: clinical testing. Allele origin: germline.
Comment: This sequence change replaces arginine, which is basic and polar, with glutamine, which is neutral and polar, at codon 1077 of the CEP135 protein (p.Arg1077Gln). This variant is present in population databases (rs41280347, gnomAD 0.04%). This variant has not been reported in the literature in individuals affected with CEP135-related conditions. ClinVar contains an entry for this variant (Variation ID: 285866). Algorithms developed to predict the effect of missense changes on protein structure and function (SIFT, PolyPhen-2, Align-GVGD) all suggest that this variant is likely to be tolerated. In summary, the available evidence is currently insufficient to determine the role of this variant in disease. Therefore, it has been classified as a Variant of Uncertain Significance.

Eurofins Ntd Llc (ga)
Classification: Uncertain significance. Last evaluated: 2016-01-28. Review status: criteria provided, single submitter. Criteria: EGL Classification Definitions 2015. Collection method: clinical testing. Allele origin: germline. Observed: 1 variant allele, 1 heterozygote.